The following is an entry in ClinVar:

ClinVar aggregate classification (germline): Uncertain significance (1 of 4 stars; one submission).

Conditions:
Hereditary cancer-predisposing syndrome. Also called: Neoplastic Syndromes, Hereditary; Hereditary Cancer Syndrome; Tumor predisposition; Hereditary neoplastic syndrome. Identifiers: Orphanet 140162, MedGen C0027672, MeSH D009386, MONDO:0015356.

Submission:

Ambry Genetics
Classification: Uncertain significance for Hereditary cancer-predisposing syndrome. Last evaluated: 2025-01-17. Review status: criteria provided, single submitter. Criteria: Ambry Variant Classification Scheme 2023. Collection method: clinical testing. Allele origin: germline.
Comment: The p.T961S variant (also known as c.2881A>T), located in coding exon 19 of the SMARCA4 gene, results from an A to T substitution at nucleotide position 2881. The threonine at codon 961 is replaced by serine, an amino acid with similar properties. This amino acid position is conserved. In addition, the in silico prediction for this alteration is inconclusive. Based on the available evidence, the clinical significance of this variant remains unclear.

NM_003072.5(SMARCA4):c.2881A>T (p.Thr961Ser)

Gene: SMARCA4 (SWI/SNF related BAF chromatin remodeling complex subunit ATPase 4; plus strand). Cytogenetic location: 19p13.2.
Variant type: single nucleotide variant.
Coding change: c.2881A>T on transcript NM_003072.5 (MANE Select); coding-DNA position 2881, A replaced by T.
Protein change: p.Thr961Ser; replaces threonine 961 with serine.
Molecular consequence: missense variant. On other transcripts: non-coding transcript variant (1).
Genome position (GRCh38, 1-based): chr19:11,023,539, A>T. VCF-style: chr19-11023539-A-T. GRCh37 (hg19) VCF-style: chr19-11134215-A-T.
Other names: c.2881A>T, p.Thr961Ser (NM_001128844.3, NM_001128845.2, NM_001128846.2 and 6 more transcripts); short protein forms T961S.
Identifiers: ClinVar variation 3798906 (VCV003798906.1).